The following is an entry in ClinVar:

NM_001048174.2(MUTYH):c.951C>T (p.Pro317=)

Gene: MUTYH (mutY DNA glycosylase; minus strand). Cytogenetic location: 1p34.1.
Variant type: single nucleotide variant.
Coding change: c.951C>T on transcript NM_001048174.2 (MANE Select); coding-DNA position 951, C replaced by T.
Protein change: p.Pro317=; no amino-acid change (proline 317 retained).
Molecular consequence: synonymous variant. On other transcripts: non-coding transcript variant (2).
Genome position (GRCh38, 1-based): chr1:45,331,812, G>A on the plus strand (C>T on the coding strand, the complement: MUTYH is on the minus strand). VCF-style: chr1-45331812-G-A. GRCh37 (hg19) VCF-style: chr1-45797484-G-A.
Other names: c.951C>T, p.Pro317= (NM_001048171.2, NM_001048173.2, NM_001293195.2); c.954C>T, p.Pro318= (NM_001048172.2); c.1035C>T, p.Pro345= (NM_001128425.2); c.996C>T, p.Pro332= (NM_001293190.2); c.984C>T, p.Pro328= (NM_001293191.2); c.675C>T, p.Pro225= (NM_001293192.2, NM_001293196.2); c.606C>T, p.Pro202= (NM_001350650.2, NM_001350651.2); c.1026C>T, p.Pro342= (NM_012222.3).
Identifiers: ClinVar variation 391079 (VCV000391079.18), dbSNP rs786203426, ClinGen allele CA16603727.

ClinVar aggregate classification (germline): Likely benign. Review status: criteria provided, multiple submitters, no conflicts (2 of 4 stars). 7 submissions from 7 submitters: Likely benign (6). 1 of the submissions does not count toward it. Last evaluated 2024-10-19.

Conditions:
MUTYH-related disorder. Also called: MUTYH-related condition; MUTYH-related disorders.
Hereditary cancer-predisposing syndrome. Also called: Tumor predisposition; Neoplastic Syndromes, Hereditary; Hereditary neoplastic syndrome; Hereditary Cancer Syndrome. Identifiers: Orphanet 140162, MedGen C0027672, MeSH D009386, MONDO:0015356.
Familial adenomatous polyposis 2. Also called: COLORECTAL ADENOMATOUS POLYPOSIS, AUTOSOMAL RECESSIVE; MYH-associated polyposis; MUTYH Polyposis; MUTYH-related attenuated familial adenomatous polyposis; Adenomas, multiple colorectal; ADENOMAS, MULTIPLE COLORECTAL, AUTOSOMAL RECESSIVE. Identifiers: Orphanet 220460, Orphanet 247798, MedGen C3272841, MONDO:0012041, OMIM 608456.

gnomAD v4.1: 3 of 1,609,978 alleles (0.00019%); highest among the groups gnomAD compares: Non-Finnish European, 0.00017%; no homozygotes.

Submissions (7):

Labcorp Genetics (formerly Invitae), Labcorp
Classification: Likely benign for Familial adenomatous polyposis 2. Last evaluated: 2024-10-19. Review status: criteria provided, single submitter. Criteria: Invitae Variant Classification Sherloc (09022015). Collection method: clinical testing. Allele origin: germline.

All of Us Research Program, National Institutes of Health
Classification: Likely benign for Familial adenomatous polyposis 2. Last evaluated: 2023-12-01. Review status: criteria provided, single submitter. Criteria: ACMG Guidelines, 2015. Collection method: clinical testing. Allele origin: germline. Inheritance: Autosomal recessive inheritance. Observed: 2 variant alleles, 2 heterozygotes.
Comment: This study involves interpretation of variants in research participants for the purpose of population health screening. Participant phenotype was not available at the time of variant classification. Additional details can be found in publication PMID: 35346344, PMCID: PMC8962531

Blueprint Genetics
Classification: Likely benign. Last evaluated: 2023-11-21. Review status: criteria provided, single submitter. Criteria: ACMG Guidelines, 2015. Collection method: clinical testing. Allele origin: germline.

Ambry Genetics
Classification: Likely benign for Hereditary cancer-predisposing syndrome. Last evaluated: 2021-03-02. Review status: criteria provided, single submitter. Criteria: Ambry Variant Classification Scheme 2023. Collection method: clinical testing. Allele origin: germline.

Color Diagnostics, LLC DBA Color Health
Classification: Likely benign for Hereditary cancer-predisposing syndrome. Last evaluated: 2018-01-25. Review status: criteria provided, single submitter. Criteria: ACMG Guidelines, 2015. Collection method: clinical testing. Allele origin: germline.

GeneDx
Classification: Likely benign. Last evaluated: 2016-11-15. Review status: criteria provided, single submitter. Criteria: GeneDx Variant Classification (06012015). Collection method: clinical testing. Allele origin: germline. Affected: yes.
Comment: This variant is considered likely benign or benign based on one or more of the following criteria: it is a conservative change, it occurs at a poorly conserved position in the protein, it is predicted to be benign by multiple in silico algorithms, and/or has population frequency not consistent with disease.

PreventionGenetics, part of Exact Sciences
Classification: Likely benign for MUTYH-related condition. Last evaluated: 2023-02-08. Review status: no assertion criteria provided. Collection method: clinical testing. Allele origin: germline. Not counted in ClinVar's aggregate classification.
Comment: This variant is classified as likely benign based on ACMG/AMP sequence variant interpretation guidelines (Richards et al. 2015 PMID: 25741868, with internal and published modifications).